The following is an entry in ClinVar:

ClinVar aggregate classification (germline): Pathogenic (1 of 4 stars; one submission).

Allele frequency attached by ClinVar (database versions not stated): TOPMed 0.00001.
gnomAD v4.1: 1 of 1,614,056 alleles (0.000062%); highest among the groups gnomAD compares: East Asian, 0.0022%; no homozygotes.

Submission:

Labcorp Genetics (formerly Invitae), Labcorp
Classification: Pathogenic. Last evaluated: 2024-02-09. Review status: criteria provided, single submitter. Criteria: Invitae Variant Classification Sherloc (09022015). Collection method: clinical testing. Allele origin: germline.
Comment: This sequence change replaces glycine, which is neutral and non-polar, with arginine, which is basic and polar, at codon 676 of the ABCC2 protein (p.Gly676Arg). This variant is not present in population databases (gnomAD no frequency). This missense change has been observed in individual(s) with Dubin-Johnson syndrome (PMID: 12884082, 34150028). In at least one individual the data is consistent with being in trans (on the opposite chromosome) from a pathogenic variant. Advanced modeling of protein sequence and biophysical properties (such as structural, functional, and spatial information, amino acid conservation, physicochemical variation, residue mobility, and thermodynamic stability) performed at Invitae indicates that this missense variant is expected to disrupt ABCC2 protein function with a positive predictive value of 80%. For these reasons, this variant has been classified as Pathogenic.

Literature cited by the submitters: PubMed 12884082; PubMed 34150028.

NM_000392.5(ABCC2):c.2026G>C (p.Gly676Arg)

Gene: ABCC2 (ATP binding cassette subfamily C member 2; plus strand). Cytogenetic location: 10q24.2.
Variant type: single nucleotide variant.
Coding change: c.2026G>C on transcript NM_000392.5 (MANE Select); coding-DNA position 2026, G replaced by C.
Protein change: p.Gly676Arg; replaces glycine 676 with arginine.
Molecular consequence: missense variant.
Genome position (GRCh38, 1-based): chr10:99,813,076, G>C. VCF-style: chr10-99813076-G-C. GRCh37 (hg19) VCF-style: chr10-101572833-G-C.
Other names: short protein forms G676R.
Identifiers: ClinVar variation 2735466 (VCV002735466.3), dbSNP rs1226153645, ClinGen allele CA378114134.